The following is an entry in ClinVar:

ClinVar aggregate classification (germline): Benign/Likely benign. Review status: criteria provided, multiple submitters, no conflicts (2 of 4 stars). 5 submissions from 5 submitters: Benign (1); Likely benign (3). 1 of the submissions does not count toward it. Last evaluated 2025-12-01.

Conditions:
INF2-related disorder. Also called: INF2-related condition.
Focal segmental glomerulosclerosis 5 (FSGS5). Identifiers: Orphanet 656, MedGen C2750475, MONDO:0013191, OMIM 613237.
Charcot-Marie-Tooth disease dominant intermediate E. Also called: CHARCOT-MARIE-TOOTH NEUROPATHY WITH FOCAL SEGMENTAL GLOMERULONEPHRITIS. Identifiers: Orphanet 93114, MedGen C4302667, MONDO:0013758, OMIM 614455.

Allele frequency attached by ClinVar (database versions not stated): gnomAD exomes 0.00006 and 0.00010; ExAC 0.00009; gnomAD 0.00029 and 0.00031; 1000 Genomes Project 30x 0.00031; ESP Exome Variant Server 0.00031; TOPMed 0.00035; 1000 Genomes Project 0.00040.
gnomAD v4.1: 127 of 1,612,726 alleles (0.0079%); highest among the groups gnomAD compares: African/African-American, 0.091%; no homozygotes.

Submissions (5):

Labcorp Genetics (formerly Invitae), Labcorp
Classification: Likely benign for Charcot-Marie-Tooth disease dominant intermediate E; Focal segmental glomerulosclerosis 5. Last evaluated: 2025-12-01. Review status: criteria provided, single submitter. Criteria: Invitae Variant Classification Sherloc (09022015). Collection method: clinical testing. Allele origin: germline.

Blueprint Genetics
Classification: Likely benign. Last evaluated: 2024-06-12. Review status: criteria provided, single submitter. Criteria: ACMG Guidelines, 2015. Collection method: clinical testing. Allele origin: germline.

Athena Diagnostics
Classification: Benign. Last evaluated: 2019-10-10. Review status: criteria provided, single submitter. Criteria: Athena Diagnostics Criteria. Collection method: clinical testing. Allele origin: unknown.

Breakthrough Genomics
Classification: Likely benign. Review status: criteria provided, single submitter. Criteria: ACMG Guidelines, 2015. Collection method: not provided. Allele origin: germline. Inheritance: Autosomal dominant inheritance. Affected: yes.

PreventionGenetics, part of Exact Sciences
Classification: Likely benign for INF2-related condition. Last evaluated: 2019-12-19. Review status: no assertion criteria provided. Collection method: clinical testing. Allele origin: germline. Not counted in ClinVar's aggregate classification.
Comment: This variant is classified as likely benign based on ACMG/AMP sequence variant interpretation guidelines (Richards et al. 2015 PMID: 25741868, with internal and published modifications).

NM_022489.4(INF2):c.639G>A (p.Ala213=)

Gene: INF2 (inverted formin 2; plus strand). Cytogenetic location: 14q32.33.
Variant type: single nucleotide variant.
Coding change: c.639G>A on transcript NM_022489.4 (MANE Select); coding-DNA position 639, G replaced by A.
Protein change: p.Ala213=; no amino-acid change (alanine 213 retained).
Molecular consequence: synonymous variant.
Genome position (GRCh38, 1-based): chr14:104,703,426, G>A. VCF-style: chr14-104703426-G-A. GRCh37 (hg19) VCF-style: chr14-105169763-G-A.
Other names: c.639G>A, p.Ala213= (NM_001031714.4, NM_032714.3).
Identifiers: ClinVar variation 779493 (VCV000779493.15), dbSNP rs149858291, ClinGen allele CA7372350.